The following is an entry in ClinVar:

NM_000179.3(MSH6):c.3452C>T (p.Ala1151Val)

Gene: MSH6 (mutS homolog 6; plus strand). Cytogenetic location: 2p16.3.
Variant type: single nucleotide variant.
Coding change: c.3452C>T on transcript NM_000179.3 (MANE Select); coding-DNA position 3452, C replaced by T.
Protein change: p.Ala1151Val; replaces alanine 1151 with valine.
Molecular consequence: missense variant.
Genome position (GRCh38, 1-based): chr2:47,804,923, C>T. VCF-style: chr2-47804923-C-T. GRCh37 (hg19) VCF-style: chr2-48032062-C-T.
Other names: c.3062C>T, p.Ala1021Val (NM_001281492.2); c.2546C>T, p.Ala849Val (NM_001281493.2, NM_001281494.2); short protein forms A1151V, A849V, A1021V.
Identifiers: ClinVar variation 422282 (VCV000422282.12), dbSNP rs587782625, ClinGen allele CA16617701.
Genomic context (GRCh38, chr2:47,804,923, plus strand): 5'-AACTGTTACTACCAGTCATAAAAGACCTTTTCCTCCCTCATTCACAGGCTGGCTTATTAG[C>T]TGTAATGGCCCAGATGGGTTGTTACGTCCCTGCTGAAGTGTGCAGGCTCACACCAATTGA-3'
Protein context (NP_000170.1, residues 1141-1161): STLMRQAGLL[Ala1151Val]VMAQMGCYVP

ClinVar aggregate classification (germline): Uncertain significance. Review status: criteria provided, multiple submitters, no conflicts (2 of 4 stars). 3 submissions from 3 submitters: Uncertain significance (3). Last evaluated 2020-10-22.

Conditions:
Hereditary nonpolyposis colorectal neoplasms. Identifiers: MedGen C0009405, MeSH D003123.
Hereditary cancer-predisposing syndrome. Also called: Hereditary neoplastic syndrome; Neoplastic Syndromes, Hereditary; Tumor predisposition; Hereditary Cancer Syndrome. Identifiers: Orphanet 140162, MedGen C0027672, MeSH D009386, MONDO:0015356.

gnomAD v4.1: 1 of 1,613,946 alleles (0.000062%); highest among the groups gnomAD compares: Non-Finnish European, 0.000085%; no homozygotes.

Submissions (3):

Ambry Genetics
Classification: Uncertain significance for Hereditary cancer-predisposing syndrome. Last evaluated: 2020-10-22. Review status: criteria provided, single submitter. Criteria: Ambry Variant Classification Scheme 2023. Collection method: clinical testing. Allele origin: germline.
Comment: The p.A1151V variant (also known as c.3452C>T), located in coding exon 6 of the MSH6 gene, results from a C to T substitution at nucleotide position 3452. The alanine at codon 1151 is replaced by valine, an amino acid with similar properties. This amino acid position is not well conserved in available vertebrate species. In addition, this alteration is predicted to be tolerated by in silico analysis. Since supporting evidence is limited at this time, the clinical significance of this alteration remains unclear.

Labcorp Genetics (formerly Invitae), Labcorp
Classification: Uncertain significance for Hereditary nonpolyposis colorectal neoplasms. Last evaluated: 2020-07-20. Review status: criteria provided, single submitter. Criteria: Invitae Variant Classification Sherloc (09022015). Collection method: clinical testing. Allele origin: germline.
Comment: Algorithms developed to predict the effect of missense changes on protein structure and function output the following: SIFT: "Tolerated"; PolyPhen-2: "Benign"; Align-GVGD: "Class C0". The valine amino acid residue is found in multiple mammalian species, suggesting that this missense change does not adversely affect protein function. Also, an algorithm developed specifically for the MSH6 gene suggests that this missense change is likely to be tolerated (PMID: 23621914). However, these predictions have not been confirmed by published functional studies and their clinical significance is uncertain. This variant has not been reported in the literature in individuals with MSH6-related disease. ClinVar contains an entry for this variant (Variation ID: 422282). This variant is not present in population databases (ExAC no frequency). This sequence change replaces alanine with valine at codon 1151 of the MSH6 protein (p.Ala1151Val). The alanine residue is weakly conserved and there is a small physicochemical difference between alanine and valine. In summary, the available evidence is currently insufficient to determine the role of this variant in disease. Therefore, it has been classified as a Variant of Uncertain Significance.

GeneDx
Classification: Uncertain significance. Last evaluated: 2016-09-16. Review status: criteria provided, single submitter. Criteria: GeneDx Variant Classification (06012015). Collection method: clinical testing. Allele origin: germline. Affected: yes.
Comment: This variant is denoted MSH6 c.3452C>T at the cDNA level, p.Ala1151Val (A1151V) at the protein level, and results in the change of an Alanine to a Valine (GCT>GTT). This variant has not, to our knowledge, been published in the literature as either a pathogenic germline variant or a benign polymorphism. However, it has been reported as a somatic variant in a malignant glioma (Maxwell 2008). MSH6 Ala1151Val was not observed in approximately 6,500 individuals of European and African American ancestry in the NHLBI Exome Sequencing Project, suggesting it is not a common benign variant in these populations. Since Alanine and Valine share similar properties, this is considered a conservative amino acid substitution. MSH6 Ala1151Val occurs at a position where amino acids with properties similar to Alanine are tolerated across species and is located in the ATP binding domain and domain V of the MutS domain (Kariola 2002, Terui 2013). In silico analyses are inconsistent regarding the effect this variant may have on protein structure and function. Based on currently available evidence, it is unclear whether MSH6 Ala1151Val is a pathogenic or benign variant. We consider it to be a variant of uncertain significance.

Literature cited by the submitters: PubMed 23621914 (cited by Labcorp Genetics (formerly Invitae), Labcorp).